The following is an entry in ClinVar:

NM_000132.4(F8):c.5374-19del

Gene: F8 (coagulation factor VIII; minus strand). Cytogenetic location: Xq28.
Variant type: Deletion.
Coding change: c.5374-19del on transcript NM_000132.4 (MANE Select); 19 bases into the intron before coding-DNA position 5374, one base deleted (T; older notation c.5374-19delT).
Molecular consequence: intron variant.
Genome position (GRCh38, 1-based): chrX:154,905,042, A deleted on the plus strand (T on the coding strand, the reverse complement: F8 is on the minus strand); the first of 12 consecutive A bases (chrX:154,905,042-154,905,053); deleting any one gives the same sequence. VCF-style (leftmost placement, unchanged base first): chrX-154905041-CA-C. GRCh37 (hg19) VCF-style: chrX-154133316-CA-C.
Other names: p.?; c.5374-19delT (NM_000132.3); c.5374-19del (NM_000132.3).
Identifiers: ClinVar variation 439679 (VCV000439679.10), dbSNP rs782086610, ClinGen allele CA10567985.

ClinVar aggregate classification (germline): Benign/Likely benign. Review status: criteria provided, multiple submitters, no conflicts (2 of 4 stars). 3 submissions from 3 submitters: Benign (2); Likely benign (1). Last evaluated 2024-11-28.

Submissions (3):

Blueprint Genetics
Classification: Likely benign. Last evaluated: 2024-11-28. Review status: criteria provided, single submitter. Criteria: ACMG Guidelines, 2015. Collection method: clinical testing. Allele origin: germline.

Mayo Clinic Laboratories, Mayo Clinic
Classification: Benign. Last evaluated: 2023-07-20. Review status: criteria provided, single submitter. Criteria: ACMG Guidelines, 2015. Collection method: clinical testing. Allele origin: germline. Observed: 95 variant alleles.
Comment: BA1, BP4, BP6, BP7

ARUP Laboratories, Molecular Genetics and Genomics, ARUP Laboratories
Classification: Benign. Last evaluated: 2016-11-18. Review status: criteria provided, single submitter. Criteria: ARUP Molecular Germline Variant Investigation Process. Collection method: clinical testing. Allele origin: germline.